The following is an entry in ClinVar:

NM_014908.4(DOLK):c.337G>C (p.Val113Leu)

Gene: DOLK (dolichol kinase; minus strand). Cytogenetic location: 9q34.11.
Variant type: single nucleotide variant.
Coding change: c.337G>C on transcript NM_014908.4 (MANE Select); coding-DNA position 337, G replaced by C.
Protein change: p.Val113Leu; replaces valine 113 with leucine.
Molecular consequence: missense variant.
Genome position (GRCh38, 1-based): chr9:128,946,967, C>G on the plus strand (G>C on the coding strand, the complement: DOLK is on the minus strand). VCF-style: chr9-128946967-C-G. GRCh37 (hg19) VCF-style: chr9-131709246-C-G.
Other names: short protein forms V113L.
Identifiers: ClinVar variation 4014381 (VCV004014381.1).

ClinVar aggregate classification (germline): Uncertain significance (1 of 4 stars; one submission).

Conditions:
Cardiovascular phenotype. Identifiers: MedGen CN230736.

Submission:

Ambry Genetics
Classification: Uncertain significance for Cardiovascular phenotype. Last evaluated: 2025-05-15. Review status: criteria provided, single submitter. Criteria: Ambry Variant Classification Scheme 2023. Collection method: clinical testing. Allele origin: germline.
Comment: The p.V113L variant (also known as c.337G>C), located in coding exon 1 of the DOLK gene, results from a G to C substitution at nucleotide position 337. The valine at codon 113 is replaced by leucine, an amino acid with highly similar properties. This amino acid position is highly conserved in available vertebrate species. In addition, the in silico prediction for this alteration is inconclusive. Based on the available evidence, the clinical significance of this variant remains unclear.